The following is an entry in ClinVar:

ClinVar aggregate classification (germline): Uncertain significance (0 of 4 stars; one submission).

Conditions:
FCN1-related disorder. Also called: FCN1-related condition.

Submission:

PreventionGenetics, part of Exact Sciences
Classification: Uncertain significance for FCN1-related condition. Last evaluated: 2024-06-26. Review status: no assertion criteria provided. Collection method: clinical testing. Allele origin: germline.
Comment: The FCN1 c.710G>A variant is predicted to result in the amino acid substitution p.Gly237Glu. To our knowledge, this variant has not been reported in the literature. This variant is reported in one out of ~251,000 alleles in gnomAD. At this time, the clinical significance of this variant is uncertain due to the absence of conclusive functional and genetic evidence.

NM_002003.5(FCN1):c.710G>A (p.Gly237Glu)

Gene: FCN1 (ficolin 1; minus strand). Cytogenetic location: 9q34.3.
Variant type: single nucleotide variant.
Coding change: c.710G>A on transcript NM_002003.5 (MANE Select); coding-DNA position 710, G replaced by A.
Protein change: p.Gly237Glu; replaces glycine 237 with glutamic acid.
Molecular consequence: missense variant.
Genome position (GRCh38, 1-based): chr9:134,911,156, C>T on the plus strand (G>A on the coding strand, the complement: FCN1 is on the minus strand). VCF-style: chr9-134911156-C-T. GRCh37 (hg19) VCF-style: chr9-137803002-C-T.
Other names: short protein forms G237E.
Identifiers: ClinVar variation 3356159 (VCV003356159.1).
Genomic context (GRCh38, chr9:134,911,156, plus strand): 5'-GCCCCACTCAGGCCACCAGCCCCAAGCAGACACTCACCCGCACTGCCCCCGACAAAGGCT[C>T]CCAGTACCAGCTTGTACTTCTCTGCCTCGTCAGCCACCTTGAATGATTTGTACTTAGCAA-3'
Protein context (NP_001994.2, residues 227-247): DEAEKYKLVL[Gly237Glu]AFVGGSAGNS